The following is an entry in ClinVar:

NM_000219.6(KCNE1):c.271G>A (p.Asp91Asn)

Gene: KCNE1 (potassium voltage-gated channel subfamily E regulatory subunit 1; minus strand). Cytogenetic location: 21q22.12.
Variant type: single nucleotide variant.
Coding change: c.271G>A on transcript NM_000219.6 (MANE Select); coding-DNA position 271, G replaced by A.
Protein change: p.Asp91Asn; replaces aspartic acid 91 with asparagine.
Molecular consequence: missense variant.
Genome position (GRCh38, 1-based): chr21:34,449,364, C>T on the plus strand (G>A on the coding strand, the complement: KCNE1 is on the minus strand). VCF-style: chr21-34449364-C-T. GRCh37 (hg19) VCF-style: chr21-35821662-C-T.
Other names: c.271G>A, p.Asp91Asn (NM_001127668.4, NM_001127669.4, NM_001127670.4 and 4 more transcripts); short protein forms D91N.
Identifiers: ClinVar variation 3374493 (VCV003374493.2).

Conditions:
Long QT syndrome 5 (LQT5). Identifiers: Orphanet 101016, Orphanet 768, MedGen C1867904, MONDO:0013372, OMIM 613695.

Submission:

Roden Lab, Vanderbilt University Medical Center
No classification provided (evidence only). Condition: Long QT syndrome 5. Review status: no classification provided. Collection method: in vitro. Allele origin: not applicable. Functional consequence: Effect on ion channel function.
ClinVar note: "not provided" was previously submitted as the classification for the variant. However, the classification appeared to be based only on an observation of functional data so it was converted to no classification on 2025-07-30.